The following is an entry in ClinVar:

NM_000642.3(AGL):c.490C>T (p.Gln164Ter)

Gene: AGL (amylo-alpha-1,6-glucosidase and 4-alpha-glucanotransferase; plus strand). Cytogenetic location: 1p21.2.
Variant type: single nucleotide variant.
Coding change: c.490C>T on transcript NM_000642.3 (MANE Select); coding-DNA position 490, C replaced by T.
Protein change: p.Gln164Ter; replaces glutamine 164 with a stop codon.
Molecular consequence: nonsense. On other transcripts: intron variant (2).
Genome position (GRCh38, 1-based): chr1:99,864,415, C>T. VCF-style: chr1-99864415-C-T. GRCh37 (hg19) VCF-style: chr1-100329971-C-T.
Other names: c.490C>T, p.Gln164Ter (NM_000028.3, NM_000643.3, NM_000644.3 and 3 more transcripts); c.442C>T, p.Gln148Ter (NM_000646.3); c.112C>T, p.Gln38Ter (NM_001425332.1); c.460+1992C>T (NM_001425328.1, NM_001425329.1); short protein forms Q164*, Q148*, Q38*.
Identifiers: ClinVar variation 5007382 (VCV005007382.2).

ClinVar aggregate classification (germline): Likely pathogenic (1 of 4 stars; one submission).

Conditions:
Glycogen storage disease type III (GSD3). Also called: Cori disease; FORBES DISEASE. Identifiers: Orphanet 366, MedGen C0017922, MONDO:0009291, OMIM 232400.

gnomAD v4.1: 1 of 1,613,874 alleles (0.000062%); highest among the groups gnomAD compares: East Asian, 0.0022%; no homozygotes.

Submission:

Juno Genomics, Hangzhou Juno Genomics, Inc
Classification: Likely pathogenic for Glycogen storage disease type III. Review status: criteria provided, single submitter. Criteria: ACMG Guidelines, 2015. Collection method: clinical testing. Allele origin: germline.
Comment: Null variant in a gene where loss of function (LOF) is a known mechanism of disease.;Absent from controls (or at extremely low frequency if recessive) in Genome Aggregation Database.